The following is an entry in ClinVar:

NM_001386393.1(PANK2):c.1102A>G (p.Lys368Glu)

Gene: PANK2 (pantothenate kinase 2; plus strand). Cytogenetic location: 20p13.
Variant type: single nucleotide variant.
Coding change: c.1102A>G on transcript NM_001386393.1 (MANE Select); coding-DNA position 1102, A replaced by G.
Protein change: p.Lys368Glu; replaces lysine 368 with glutamic acid.
Molecular consequence: missense variant. On other transcripts: non-coding transcript variant (1).
Genome position (GRCh38, 1-based): chr20:3,916,946, A>G. VCF-style: chr20-3916946-A-G. GRCh37 (hg19) VCF-style: chr20-3897593-A-G.
Other names: c.559A>G, p.Lys187Glu (NM_001324191.2, NM_024960.6, NM_153640.4); c.124A>G, p.Lys42Glu (NM_001324193.2); c.1432A>G, p.Lys478Glu (NM_153638.4); short protein forms K478E, K187E, K42E, K368E.
Identifiers: ClinVar variation 812786 (VCV000812786.17), dbSNP rs559623184, ClinGen allele CA9750867.

ClinVar aggregate classification (germline): Conflicting classifications of pathogenicity. Review status: criteria provided, conflicting classifications (1 of 4 stars). 10 submissions from 10 submitters: Pathogenic (1); Likely pathogenic (2); Uncertain significance (6). 1 of the submissions does not count toward it. Last evaluated 2026-09-08.

Conditions:
Pigmentary pallidal degeneration (NBIA1). Also called: Neuroaxonal dystrophy, late infantile; Hallervorden-Spatz disease; HARP SYNDROME; Pantothenate Kinase-Associated Neurodegeneration; PKAN NEUROAXONAL DYSTROPHY, JUVENILE-ONSET; Neurodegeneration with brain iron accumulation 1. Identifiers: Orphanet 157850, MedGen C0018523, MONDO:0009319, OMIM 234200.
Hypoprebetalipoproteinemia, acanthocytosis, retinitis pigmentosa, and pallidal degeneration. Identifiers: MedGen C1846582, MONDO:0011798.
Dystonic disorder. Also called: Dystonia. Identifiers: MedGen C0013421, MONDO:0003441, HP:0001332.

Allele frequency attached by ClinVar (database versions not stated): gnomAD below 0.00001 and 0.00003; TOPMed 0.00001; gnomAD exomes 0.00007 and 0.00015; 1000 Genomes Project 30x 0.00016; 1000 Genomes Project 0.00020; ExAC 0.00020.
gnomAD v4.1: 116 of 1,614,136 alleles (0.0072%); highest among the groups gnomAD compares: South Asian, 0.12%; 2 homozygotes.

Submissions (10):

GeneDx
Classification: Uncertain significance. Last evaluated: 2026-09-08. Review status: criteria provided, single submitter. Criteria: GeneDx Variant Classification Process June 2021. Collection method: clinical testing. Allele origin: germline.
Comment: Identified with a second PANK2 variant, phase unknown, in two patients with dystonia in published literature (PMID: 37541188, 38219528); In silico analysis suggests that this missense variant does not alter protein structure/function; This variant is associated with the following publications: (PMID: 30212743, 38506547, 31489256, 32581362, 37541188, 38219528)

Women's Health and Genetics/Laboratory Corporation of America, LabCorp
Classification: Likely pathogenic for Pigmentary pallidal degeneration. Last evaluated: 2026-03-17. Review status: criteria provided, single submitter. Criteria: LabCorp Variant Classification Summary - May 2015. Collection method: clinical testing. Allele origin: germline.
Comment: Variant summary: PANK2 c.1432A>G (p.Lys478Glu) results in a conservative amino acid change in the encoded protein sequence. Algorithms developed to predict the effect of missense changes on protein structure and function are either unavailable or do not agree on the potential impact of this missense change. The variant allele was found at a frequency of 7.2e-05 in 1614136 control chromosomes in the gnomAD database, including 2 homozygotes. This frequency is not significantly higher than estimated for disease-causing variants in PANK2, allowing no conclusion about variant significance. c.1432A>G has been observed in multiple individuals affected with Pantothenate Kinase-Associated Neurodegeneration, with mostly later onset occurrence (Turro_2021, Saini_2024). These data indicate that the variant is very likely to be associated with disease. To our knowledge, no experimental evidence demonstrating an impact on protein function has been reported. The following publications have been ascertained in the context of this evaluation (PMID: 32581362, 38506547). ClinVar contains an entry for this variant (Variation ID: 812786). Based on the evidence outlined above, the variant was classified as likely pathogenic.

Labcorp Genetics (formerly Invitae), Labcorp
Classification: Pathogenic for Pigmentary pallidal degeneration. Last evaluated: 2025-12-08. Review status: criteria provided, single submitter. Criteria: Invitae Variant Classification Sherloc (09022015). Collection method: clinical testing. Allele origin: germline.
Comment: This sequence change replaces lysine, which is basic and polar, with glutamic acid, which is acidic and polar, at codon 478 of the PANK2 protein (p.Lys478Glu). This variant is present in population databases (rs559623184, gnomAD 0.1%). This missense change has been observed in individual(s) with clinical features of pantothenate kinase-associated neurodegeneration and/or neurological and developmental disorders (PMID: 32581362, 38506547). ClinVar contains an entry for this variant (Variation ID: 812786). Invitae Evidence Modeling of protein sequence and biophysical properties (such as structural, functional, and spatial information, amino acid conservation, physicochemical variation, residue mobility, and thermodynamic stability) has been performed for this missense variant. However, the output from this modeling did not meet the statistical confidence thresholds required to predict the impact of this variant on PANK2 protein function. For these reasons, this variant has been classified as Pathogenic.

Revvity Omics, Revvity
Classification: Uncertain significance. Last evaluated: 2024-01-09. Review status: criteria provided, single submitter. Criteria: ACMG Guidelines, 2015. Collection method: clinical testing. Allele origin: germline.

Baylor Genetics
Classification: Likely pathogenic for Pigmentary pallidal degeneration. Last evaluated: 2023-09-13. Review status: criteria provided, single submitter. Criteria: ACMG Guidelines, 2015. Collection method: clinical testing. Allele origin: unknown.

Blueprint Genetics
Classification: Uncertain significance. Last evaluated: 2022-08-03. Review status: criteria provided, single submitter. Criteria: ACMG Guidelines, 2015. Collection method: clinical testing. Allele origin: germline.

Fulgent Genetics
Classification: Uncertain significance for Pigmentary pallidal degeneration. Last evaluated: 2022-03-09. Review status: criteria provided, single submitter. Criteria: ACMG Guidelines, 2015. Collection method: clinical testing. Allele origin: unknown.

Illumina Laboratory Services, Illumina
Classification: Uncertain significance for Pigmentary pallidal degeneration. Last evaluated: 2017-04-27. Review status: criteria provided, single submitter. Criteria: ICSL Variant Classification Criteria 13 December 2019. Collection method: clinical testing. Allele origin: germline.

Neuberg Centre For Genomic Medicine, NCGM
Classification: Uncertain significance for Pigmentary pallidal degeneration. Review status: criteria provided, single submitter. Criteria: ACMG Guidelines, 2015. Collection method: clinical testing. Allele origin: germline. Affected: yes.
Comment: The missense variant p.K478E in PANK2 (NM_153638.4) has been recently reported in a patient with disorder within the neurodevelopmental domain but no details are available for independent assesment (Turro E et al, 2020). The missense variant c.1432A>G (p.K478E) in PANK2 (NM_153638.4) is observed in 37/30616 (0.1209%) alleles from individuals of South Asian background in the gnomAD dataset (Exome Aggregation Consortium et al., 2016), but was not seen in the homozygous state. The variant has been submitted to ClinVar with varying interpretations of pathogenicity :Uncertain Significance/Likely Pathogenic. The p.K478E missense variant is predicted to be damaging by both SIFT and PolyPhen2. The lysine residue at codon 478 of PANK2 is conserved in all mammalian species. The nucleotide c.1432 in PANK2 is predicted conserved by GERP++ and PhyloP across 100 vertebrates. For these reasons, this variant has been classified as Uncertain Significance.

NIHR Bioresource Rare Diseases, University of Cambridge
Classification: Likely pathogenic for Dystonic disorder. Review status: no assertion criteria provided. Collection method: research. Allele origin: unknown. Affected: yes. Observed: 1 variant allele. Not counted in ClinVar's aggregate classification.

Literature cited by the submitters: PubMed 32581362 (cited by 3 submitters); PubMed 38506547 (cited by Women's Health and Genetics/Laboratory Corporation of America, LabCorp and Labcorp Genetics (formerly Invitae), Labcorp).